The following is an entry in ClinVar:

NM_006206.6(PDGFRA):c.1783C>A (p.Leu595Ile)

Gene: PDGFRA (platelet derived growth factor receptor alpha; plus strand). Cytogenetic location: 4q12.
Variant type: single nucleotide variant.
Coding change: c.1783C>A on transcript NM_006206.6 (MANE Select); coding-DNA position 1783, C replaced by A.
Protein change: p.Leu595Ile; replaces leucine 595 with isoleucine.
Molecular consequence: missense variant.
Genome position (GRCh38, 1-based): chr4:54,274,970, C>A. VCF-style: chr4-54274970-C-A. GRCh37 (hg19) VCF-style: chr4-55141137-C-A.
Other names: c.1783C>A, p.Leu595Ile (NM_001347827.2, NM_001347829.2); c.1858C>A, p.Leu620Ile (NM_001347828.2); c.1822C>A, p.Leu608Ile (NM_001347830.2); short protein forms L608I, L595I, L620I.
Identifiers: ClinVar variation 4843856 (VCV004843856.1).

ClinVar aggregate classification (germline): Uncertain significance (1 of 4 stars; one submission).

Conditions:
Hereditary cancer-predisposing syndrome. Also called: Neoplastic Syndromes, Hereditary; Tumor predisposition; Hereditary Cancer Syndrome; Hereditary neoplastic syndrome. Identifiers: Orphanet 140162, MedGen C0027672, MeSH D009386, MONDO:0015356.

Submission:

Ambry Genetics
Classification: Uncertain significance for Hereditary cancer-predisposing syndrome. Last evaluated: 2025-12-15. Review status: criteria provided, single submitter. Criteria: Ambry Variant Classification Scheme 2023. Collection method: clinical testing. Allele origin: germline.
Comment: The p.L595I variant (also known as c.1783C>A), located in coding exon 11 of the PDGFRA gene, results from a C to A substitution at nucleotide position 1783. The leucine at codon 595 is replaced by isoleucine, an amino acid with highly similar properties. This amino acid position is conserved. In addition, the in silico prediction for this alteration is inconclusive. Based on the available evidence, the clinical significance of this variant remains unclear.